The following is an entry in ClinVar:

NM_000748.3(CHRNB2):c.1171G>A (p.Val391Ile)

Gene: CHRNB2 (cholinergic receptor nicotinic beta 2 subunit; plus strand). Cytogenetic location: 1q21.3.
Variant type: single nucleotide variant.
Coding change: c.1171G>A on transcript NM_000748.3 (MANE Select); coding-DNA position 1171, G replaced by A.
Protein change: p.Val391Ile; replaces valine 391 with isoleucine.
Molecular consequence: missense variant.
Genome position (GRCh38, 1-based): chr1:154,571,994, G>A. VCF-style: chr1-154571994-G-A. GRCh37 (hg19) VCF-style: chr1-154544470-G-A.
Other names: short protein forms V391I.
Identifiers: ClinVar variation 4528261 (VCV004528261.1).

ClinVar aggregate classification (germline): Uncertain significance (1 of 4 stars; one submission).

gnomAD v4.1: 2 of 1,536,346 alleles (0.00013%); highest among the groups gnomAD compares: Non-Finnish European, 0.00017%; no homozygotes.

Submission:

GeneDx
Classification: Uncertain significance. Last evaluated: 2025-04-24. Review status: criteria provided, single submitter. Criteria: GeneDx Variant Classification Process June 2021. Collection method: clinical testing. Allele origin: germline. Affected: yes.
Comment: Not observed at significant frequency in large population cohorts (gnomAD); In silico analysis indicates that this missense variant does not alter protein structure/function; Has not been previously published as pathogenic or benign to our knowledge